The following is an entry in ClinVar:

ClinVar aggregate classification (germline): Uncertain significance (1 of 4 stars; one submission).

Conditions:
Cardiomyopathy (CMYO). Also called: Cardiomyopathies. Identifiers: Orphanet 167848, MedGen C0878544, MONDO:0004994, HP:0001638. Inheritance: Various modes of inheritance.

Submission:

All of Us Research Program, National Institutes of Health
Classification: Uncertain significance for Cardiomyopathy. Last evaluated: 2024-05-30. Review status: criteria provided, single submitter. Criteria: ACMG Guidelines, 2015. Collection method: clinical testing. Allele origin: germline. Inheritance: Autosomal dominant inheritance. Observed: 1 variant allele, 1 heterozygote.
Comment: This variant causes a G to T nucleotide substitution at the +3 position of intron 19 of the MYH7 gene. To our knowledge, functional studies have not been reported for this variant. This variant has not been reported in individuals affected with MYH7-related disorders in the literature. This variant has not been identified in the general population by the Genome Aggregation Database (gnomAD). The available evidence is insufficient to determine the role of this variant in disease conclusively. Therefore, this variant is classified as a Variant of Uncertain Significance.

This study involves interpretation of variants in research participants for the purpose of population health screening. Participant phenotype was not available at the time of variant classification. Additional details can be found in publication PMID: 35346344, PMCID: PMC8962531

NM_000257.4(MYH7):c.2162+3G>T

Gene: MYH7 (myosin heavy chain 7; minus strand). Cytogenetic location: 14q11.2.
Variant type: single nucleotide variant.
Coding change: c.2162+3G>T on transcript NM_000257.4 (MANE Select); 3 bases into the intron after coding-DNA position 2162, G replaced by T.
Molecular consequence: intron variant.
Genome position (GRCh38, 1-based): chr14:23,425,961, C>A on the plus strand (G>T on the coding strand, the complement: MYH7 is on the minus strand). VCF-style: chr14-23425961-C-A. GRCh37 (hg19) VCF-style: chr14-23895170-C-A.
Other names: c.2162+3G>T (NM_001407004.1).
Identifiers: ClinVar variation 3387339 (VCV003387339.1).